The following is an entry in ClinVar:

NM_018139.3(DNAAF2):c.1129G>C (p.Gly377Arg)

Genes: DNAAF2 (dynein axonemal assembly factor 2; minus strand), LOC130055542 (ATAC-STARR-seq lymphoblastoid silent region 5699; plus strand). Cytogenetic location: 14q21.3.
Variant type: single nucleotide variant.
Coding change: c.1129G>C on transcript NM_018139.3 (MANE Select); coding-DNA position 1129, G replaced by C.
Protein change: p.Gly377Arg; replaces glycine 377 with arginine.
Molecular consequence: missense variant.
Genome position (GRCh38, 1-based): chr14:49,634,021, C>G on the plus strand (G>C on the coding strand, the complement: DNAAF2 is on the minus strand). VCF-style: chr14-49634021-C-G. GRCh37 (hg19) VCF-style: chr14-50100739-C-G.
Other names: p.Gly377Arg; c.1129G>C, p.Gly377Arg (NM_001083908.2); short protein forms G377R.
Identifiers: ClinVar variation 411170 (VCV000411170.15), dbSNP rs760933549, ClinGen allele CA7172960.

ClinVar aggregate classification (germline): Conflicting classifications of pathogenicity. Review status: criteria provided, conflicting classifications (1 of 4 stars). 6 submissions from 6 submitters: Uncertain significance (5); Likely benign (1). Last evaluated 2026-01-20.

Conditions:
Primary ciliary dyskinesia. Also called: Ciliary dyskinesia. Identifiers: Orphanet 244, MedGen C0008780, MONDO:0016575, HP:0012265.
Primary ciliary dyskinesia 10. Also called: CILIARY DYSKINESIA, PRIMARY, 10, WITH OR WITHOUT SITUS INVERSUS. Identifiers: Orphanet 244, MedGen C2675867, MONDO:0012918, OMIM 612518.

Allele frequency attached by ClinVar (database versions not stated): gnomAD exomes 0.00013; ExAC 0.00015; gnomAD 0.00025; TOPMed 0.00029.
gnomAD v4.1: 438 of 1,522,636 alleles (0.029%); highest among the groups gnomAD compares: Non-Finnish European, 0.036%; no homozygotes.

Submissions (6):

Labcorp Genetics (formerly Invitae), Labcorp
Classification: Uncertain significance for Primary ciliary dyskinesia. Last evaluated: 2026-01-20. Review status: criteria provided, single submitter. Criteria: Invitae Variant Classification Sherloc (09022015). Collection method: clinical testing. Allele origin: germline.
Comment: This sequence change replaces glycine, which is neutral and non-polar, with arginine, which is basic and polar, at codon 377 of the DNAAF2 protein (p.Gly377Arg). This variant is present in population databases (rs760933549, gnomAD 0.04%). This variant has not been reported in the literature in individuals affected with DNAAF2-related conditions. ClinVar contains an entry for this variant (Variation ID: 411170). Invitae Evidence Modeling of protein sequence and biophysical properties (such as structural, functional, and spatial information, amino acid conservation, physicochemical variation, residue mobility, and thermodynamic stability) indicates that this missense variant is not expected to disrupt DNAAF2 protein function with a negative predictive value of 80%. In summary, the available evidence is currently insufficient to determine the role of this variant in disease. Therefore, it has been classified as a Variant of Uncertain Significance.

Ambry Genetics
Classification: Likely benign for Primary ciliary dyskinesia. Last evaluated: 2025-06-26. Review status: criteria provided, single submitter. Criteria: Ambry Variant Classification Scheme 2023. Collection method: clinical testing. Allele origin: germline.

Blueprint Genetics
Classification: Uncertain significance. Last evaluated: 2024-11-08. Review status: criteria provided, single submitter. Criteria: ACMG Guidelines, 2015. Collection method: clinical testing. Allele origin: germline.

Fulgent Genetics
Classification: Uncertain significance for Primary ciliary dyskinesia 10. Last evaluated: 2024-04-15. Review status: criteria provided, single submitter. Criteria: ACMG Guidelines, 2015. Collection method: clinical testing. Allele origin: germline.

Mayo Clinic Laboratories, Mayo Clinic
Classification: Uncertain significance. Last evaluated: 2023-03-23. Review status: criteria provided, single submitter. Criteria: ACMG Guidelines, 2015. Collection method: clinical testing. Allele origin: germline. Observed: 1 variant allele.
Comment: BP4

Eurofins Ntd Llc (ga)
Classification: Uncertain significance. Last evaluated: 2016-09-28. Review status: criteria provided, single submitter. Criteria: EGL Classification Definitions 2015. Collection method: clinical testing. Allele origin: germline. Observed: 1 variant allele, 1 heterozygote.